The following is an entry in ClinVar:

ClinVar aggregate classification (germline): Conflicting classifications of pathogenicity. Review status: criteria provided, conflicting classifications (1 of 4 stars). 3 submissions from 3 submitters: Uncertain significance (1); Likely benign (1). 1 of the submissions does not count toward it. Last evaluated 2025-10-20.

Conditions:
Generalized epilepsy-paroxysmal dyskinesia syndrome (PNKD3). Also called: Generalized epilepsy and paroxysmal dyskinesia; Paroxysmal nonkinesigenic dyskinesia, 3, with or without generalized epilepsy. Identifiers: Orphanet 79137, MedGen C5574945, MONDO:0012276, OMIM 609446.
KCNMA1-related disorder. Also called: KCNMA1-related disorders; KCNMA1-related condition.

Allele frequency attached by ClinVar (database versions not stated): TOPMed 0.00006; gnomAD 0.00007; gnomAD exomes 0.00013; ExAC 0.00014; 1000 Genomes Project 30x 0.00016; 1000 Genomes Project 0.00020.
gnomAD v4.1: 53 of 1,614,154 alleles (0.0033%); highest among the groups gnomAD compares: East Asian, 0.085%; no homozygotes.

Submissions (3):

Labcorp Genetics (formerly Invitae), Labcorp
Classification: Likely benign for Generalized epilepsy-paroxysmal dyskinesia syndrome. Last evaluated: 2025-10-20. Review status: criteria provided, single submitter. Criteria: Invitae Variant Classification Sherloc (09022015). Collection method: clinical testing. Allele origin: germline.

GeneDx
Classification: Uncertain significance. Last evaluated: 2019-07-25. Review status: criteria provided, single submitter. Criteria: GeneDx Variant Classification Process June 2021. Collection method: clinical testing. Allele origin: germline. Affected: yes.
Comment: In silico analysis, which includes splice predictors and evolutionary conservation, suggests this variant may impact gene splicing. In the absence of RNA/functional studies, the actual effect of this sequence change is unknown; Has not been previously published as pathogenic or benign to our knowledge

PreventionGenetics, part of Exact Sciences
Classification: Likely benign for KCNMA1-related condition. Last evaluated: 2020-04-14. Review status: no assertion criteria provided. Collection method: clinical testing. Allele origin: germline. Not counted in ClinVar's aggregate classification.
Comment: This variant is classified as likely benign based on ACMG/AMP sequence variant interpretation guidelines (Richards et al. 2015 PMID: 25741868, with internal and published modifications).

NM_001161352.2(KCNMA1):c.3627C>T (p.Ile1209=)

Gene: KCNMA1 (potassium calcium-activated channel subfamily M alpha 1; minus strand). Cytogenetic location: 10q22.3.
Variant type: single nucleotide variant.
Coding change: c.3627C>T on transcript NM_001161352.2 (MANE Select); coding-DNA position 3627, C replaced by T.
Protein change: p.Ile1209=; no amino-acid change (isoleucine 1209 retained).
Molecular consequence: synonymous variant.
Genome position (GRCh38, 1-based): chr10:76,887,350, G>A on the plus strand (C>T on the coding strand, the complement: KCNMA1 is on the minus strand). VCF-style: chr10-76887350-G-A. GRCh37 (hg19) VCF-style: chr10-78647108-G-A.
Other names: c.3465C>T, p.Ile1155= (NM_001014797.3); c.3576C>T, p.Ile1192= (NM_001161353.2); c.3303C>T, p.Ile1101= (NM_001271518.2); c.3543C>T, p.Ile1181= (NM_001271519.2); c.3462C>T, p.Ile1154= (NM_001322829.2, NM_001322836.2); c.3555C>T, p.Ile1185= (NM_001322830.2); c.3453C>T, p.Ile1151= (NM_001322832.2, NM_002247.4); c.3546C>T, p.Ile1182= (NM_001322835.2, NM_001322837.2); and 1 more.
Identifiers: ClinVar variation 784917 (VCV000784917.16), dbSNP rs201924445, ClinGen allele CA5567802.